The following is an entry in ClinVar:

ClinVar aggregate classification (germline): Benign/Likely benign. Review status: criteria provided, multiple submitters, no conflicts (2 of 4 stars). 5 submissions from 5 submitters: Benign (2); Likely benign (3). Last evaluated 2026-01-07.

Conditions:
KMT2A-related disorder. Also called: KMT2A-related condition.

Allele frequency attached by ClinVar (database versions not stated): ESP Exome Variant Server 0.00008; 1000 Genomes Project 30x 0.00141; 1000 Genomes Project 0.00180.
gnomAD v4.1: 404 of 1,614,114 alleles (0.025%); highest among the groups gnomAD compares: East Asian, 0.5%; 1 homozygote.

Submissions (5):

Labcorp Genetics (formerly Invitae), Labcorp
Classification: Benign. Last evaluated: 2026-01-07. Review status: criteria provided, single submitter. Criteria: Invitae Variant Classification Sherloc (09022015). Collection method: clinical testing. Allele origin: germline.

PreventionGenetics, part of Exact Sciences
Classification: Likely benign for KMT2A-related condition. Last evaluated: 2025-03-10. Review status: criteria provided, single submitter. Criteria: ACMG Guidelines, 2015. Collection method: clinical testing. Allele origin: germline.
Comment: This variant is classified as likely benign based on ACMG/AMP sequence variant interpretation guidelines (Richards et al. 2015 PMID: 25741868, with internal and published modifications).

Blueprint Genetics
Classification: Likely benign. Last evaluated: 2024-11-13. Review status: criteria provided, single submitter. Criteria: ACMG Guidelines, 2015. Collection method: clinical testing. Allele origin: germline.

CeGaT Center for Human Genetics Tuebingen
Classification: Likely benign. Last evaluated: 2023-03-01. Review status: criteria provided, single submitter. Criteria: CeGaT Center For Human Genetics Tuebingen Variant Classification Criteria Version 2. Collection method: clinical testing. Allele origin: germline. Affected: yes. Observed: 2 variant alleles.
Comment: KMT2A: BP4, BS1

GeneDx
Classification: Benign. Last evaluated: 2020-12-14. Review status: criteria provided, single submitter. Criteria: GeneDx Variant Classification Process June 2021. Collection method: clinical testing. Allele origin: germline. Affected: yes.

NM_001197104.2(KMT2A):c.7070C>G (p.Pro2357Arg)

Gene: KMT2A (lysine methyltransferase 2A; plus strand). Cytogenetic location: 11q23.3.
Variant type: single nucleotide variant.
Coding change: c.7070C>G on transcript NM_001197104.2 (MANE Select); coding-DNA position 7070, C replaced by G.
Protein change: p.Pro2357Arg; replaces proline 2357 with arginine.
Molecular consequence: missense variant.
Genome position (GRCh38, 1-based): chr11:118,502,962, C>G. VCF-style: chr11-118502962-C-G. GRCh37 (hg19) VCF-style: chr11-118373677-C-G.
Other names: c.7061C>G, p.Pro2354Arg (NM_005933.4); short protein forms P2354R, P2357R.
Identifiers: ClinVar variation 1297909 (VCV001297909.35), dbSNP rs9332838, ClinGen allele CA6304351.